The following is an entry in ClinVar:

ClinVar aggregate classification (germline): Conflicting classifications of pathogenicity. Review status: criteria provided, conflicting classifications (1 of 4 stars). 13 submissions from 12 submitters: Uncertain significance (1); Benign (4); Likely benign (7). 1 of the submissions does not count toward it. Last evaluated 2026-01-25.

Conditions:
TSC1-related disorder. Also called: TSC1-related condition.
Hereditary cancer-predisposing syndrome. Also called: Neoplastic Syndromes, Hereditary; Hereditary Cancer Syndrome; Tumor predisposition; Hereditary neoplastic syndrome. Identifiers: Orphanet 140162, MedGen C0027672, MeSH D009386, MONDO:0015356.
Tuberous sclerosis syndrome (TSC). Also called: Tuberous Sclerosis Complex; Tuberous sclerosis. Identifiers: Orphanet 805, MedGen C0041341, MONDO:0001734.
Epilepsy. Also called: Seizure disorder. Identifiers: MedGen C0014544, MeSH D004827, MONDO:0005027.
Isolated focal cortical dysplasia type II (FCORD2). Also called: CORTICAL DYSPLASIA OF TAYLOR; Focal cortical dysplasia type II. Identifiers: Orphanet 268994, MedGen C1846385, MONDO:0011818, OMIM 607341, HP:0032051.
Tuberous sclerosis 1 (TSC1). Identifiers: Orphanet 805, MedGen C1854465, MONDO:0008612, OMIM 191100.

Allele frequency attached by ClinVar (database versions not stated): TOPMed 0.00004; gnomAD 0.00005 and 0.00006; gnomAD exomes 0.00005 and 0.00014; ExAC 0.00008.
gnomAD v4.1: 216 of 1,613,538 alleles (0.013%); highest among the groups gnomAD compares: Non-Finnish European, 0.017%; no homozygotes.

Submissions (13):

Labcorp Genetics (formerly Invitae), Labcorp
Classification: Benign for Tuberous sclerosis 1. Last evaluated: 2026-01-25. Review status: criteria provided, single submitter. Criteria: Invitae Variant Classification Sherloc (09022015). Collection method: clinical testing. Allele origin: germline.

Myriad Genetics, Inc.
Classification: Likely benign for Tuberous sclerosis 1. Last evaluated: 2025-04-29. Review status: criteria provided, single submitter. Criteria: Myriad Autosomal Dominant, Autosomal Recessive and X-Linked Classification Criteria (2023). Collection method: clinical testing. Allele origin: unknown.
Comment: This variant is considered likely benign. This variant has been observed at a population frequency that is significantly greater than expected given the associated disease prevalence and penetrance.

All of Us Research Program, National Institutes of Health
Classification: Likely benign for Tuberous sclerosis syndrome. Last evaluated: 2024-09-23. Review status: criteria provided, single submitter. Criteria: ACMG Guidelines, 2015. Collection method: clinical testing. Allele origin: germline. Inheritance: Autosomal dominant inheritance. Observed: 25 variant alleles, 25 heterozygotes.
Comment: This study involves interpretation of variants in research participants for the purpose of population health screening. Participant phenotype was not available at the time of variant classification. Additional details can be found in publication PMID: 35346344, PMCID: PMC8962531

Color Diagnostics, LLC DBA Color Health
Classification: Likely benign for Tuberous sclerosis syndrome. Last evaluated: 2023-01-14. Review status: criteria provided, single submitter. Criteria: ACMG Guidelines, 2015. Collection method: clinical testing. Allele origin: germline.

Blueprint Genetics
Classification: Likely benign. Last evaluated: 2022-11-02. Review status: criteria provided, single submitter. Criteria: ACMG Guidelines, 2015. Collection method: clinical testing. Allele origin: germline.

GeneDx
Classification: Likely benign. Last evaluated: 2022-03-09. Review status: criteria provided, single submitter. Criteria: GeneDx Variant Classification Process June 2021. Collection method: clinical testing. Allele origin: germline. Affected: yes.

Ambry Genetics
Classification: Likely benign for Hereditary cancer-predisposing syndrome. Last evaluated: 2021-12-17. Review status: criteria provided, single submitter. Criteria: Ambry Variant Classification Scheme 2023. Collection method: clinical testing. Allele origin: germline.

Genome-Nilou Lab
Classification: Benign for Tuberous sclerosis 1. Last evaluated: 2021-11-07. Review status: criteria provided, single submitter. Criteria: ACMG Guidelines, 2015. Collection method: clinical testing. Allele origin: germline. Affected: no.

Sema4
Classification: Benign for Hereditary cancer-predisposing syndrome. Last evaluated: 2020-12-24. Review status: criteria provided, single submitter. Criteria: Sema4 Curation Guidelines. Collection method: curation. Allele origin: germline.

Cambridge Genomics Laboratory, East Genomic Laboratory Hub, NHS Genomic Medicine Service
Classification: Benign for Epilepsy. Last evaluated: 2020-01-29. Review status: criteria provided, single submitter. Criteria: ACGS Best Practice Guidelines for Variant Classification in Rare Disease 2020. Collection method: clinical testing. Allele origin: germline. Affected: yes. Observed: 1 variant allele.

Illumina Laboratory Services, Illumina
Classification: Likely benign for Isolated focal cortical dysplasia type II. Last evaluated: 2018-01-13. Review status: criteria provided, single submitter. Criteria: ICSL Variant Classification Criteria 13 December 2019. Collection method: clinical testing. Allele origin: germline.
Comment: This variant was observed in the ICSL laboratory as part of a predisposition screen in an ostensibly healthy population. It had not been previously curated by ICSL or reported in the Human Gene Mutation Database (HGMD: prior to June 1st, 2018), and was therefore a candidate for classification through an automated scoring system. Utilizing variant allele frequency, disease prevalence and penetrance estimates, and inheritance mode, an automated score was calculated to assess if this variant is too frequent to cause the disease. Based on the score and internal cut-off values, a variant classified as likely benign is not then subjected to further curation. The score for this variant resulted in a classification of likely benign for this disease.

Illumina Laboratory Services, Illumina
Classification: Uncertain significance for Tuberous sclerosis 1. Last evaluated: 2018-01-13. Review status: criteria provided, single submitter. Criteria: ICSL Variant Classification Criteria 13 December 2019. Collection method: clinical testing. Allele origin: germline.

PreventionGenetics, part of Exact Sciences
Classification: Likely benign for TSC1-related condition. Last evaluated: 2024-04-10. Review status: no assertion criteria provided. Collection method: clinical testing. Allele origin: germline. Not counted in ClinVar's aggregate classification.
Comment: This variant is classified as likely benign based on ACMG/AMP sequence variant interpretation guidelines (Richards et al. 2015 PMID: 25741868, with internal and published modifications).

NM_000368.5(TSC1):c.3123C>G (p.Ser1041Arg)

Gene: TSC1 (TSC complex subunit 1; minus strand). Cytogenetic location: 9q34.13.
Variant type: single nucleotide variant.
Coding change: c.3123C>G on transcript NM_000368.5 (MANE Select); coding-DNA position 3123, C replaced by G.
Protein change: p.Ser1041Arg; replaces serine 1041 with arginine.
Molecular consequence: missense variant.
Genome position (GRCh38, 1-based): chr9:132,896,607, G>C on the plus strand (C>G on the coding strand, the complement: TSC1 is on the minus strand). VCF-style: chr9-132896607-G-C. GRCh37 (hg19) VCF-style: chr9-135771994-G-C.
Other names: p.S1041R:AGC>AGG; c.3120C>G, p.Ser1040Arg (NM_001162426.2); c.2970C>G, p.Ser990Arg (NM_001162427.2); c.2760C>G, p.Ser920Arg (NM_001362177.2); short protein forms S1041R, S1040R, S920R, S990R.
Identifiers: ClinVar variation 207620 (VCV000207620.30), dbSNP rs753374839, ClinGen allele CA035953.